The following is an entry in ClinVar:

ClinVar aggregate classification (germline): Likely pathogenic (1 of 4 stars; one submission).

Conditions:
Congenital microvillous atrophy (DIAR2). Also called: CONGENITAL FAMILIAL PROTRACTED DIARRHEA WITH ENTEROCYTE BRUSH-BORDER ABNORMALITIES; DAVIDSON DISEASE; Microvillus inclusion disease; Diarrhea 2 with microvillus atrophy, with or without cholestasis; MICROVILLUS ATROPHY, CONGENITAL. Identifiers: Orphanet 2290, MedGen C0341306, MONDO:0009635, OMIM 251850.
Cholestasis, progressive familial intrahepatic, 10 (PFIC10). Identifiers: MedGen C5676981, MONDO:0030810, OMIM 619868.

gnomAD v4.1: 1 of 1,614,104 alleles (0.000062%); highest among the groups gnomAD compares: Non-Finnish European, 0.000085%; no homozygotes.

Submission:

Juno Genomics, Hangzhou Juno Genomics, Inc
Classification: Likely pathogenic for Cholestasis, progressive familial intrahepatic, 10; Congenital microvillous atrophy. Review status: criteria provided, single submitter. Criteria: ACMG Guidelines, 2015. Collection method: clinical testing. Allele origin: germline.
Comment: Null variant in a gene where loss of function (LOF) is a known mechanism of disease.;Absent from controls (or at extremely low frequency if recessive) in Genome Aggregation Database.

NM_001080467.3(MYO5B):c.310+1G>A

Gene: MYO5B (myosin VB; minus strand). Cytogenetic location: 18q21.1.
Variant type: single nucleotide variant.
Coding change: c.310+1G>A on transcript NM_001080467.3 (MANE Select); the canonical splice donor site of the intron after coding-DNA position 310, G replaced by A.
Molecular consequence: splice donor variant.
Genome position (GRCh38, 1-based): chr18:50,040,142, C>T on the plus strand (G>A on the coding strand, the complement: MYO5B is on the minus strand). VCF-style: chr18-50040142-C-T. GRCh37 (hg19) VCF-style: chr18-47566512-C-T.
Identifiers: ClinVar variation 5005891 (VCV005005891.2).